The following is an entry in ClinVar:

NM_006231.4(POLE):c.1209C>T (p.Ile403=)

Gene: POLE (DNA polymerase epsilon, catalytic subunit; minus strand). Cytogenetic location: 12q24.33.
Variant type: single nucleotide variant.
Coding change: c.1209C>T on transcript NM_006231.4 (MANE Select); coding-DNA position 1209, C replaced by T.
Protein change: p.Ile403=; no amino-acid change (isoleucine 403 retained).
Molecular consequence: synonymous variant.
Genome position (GRCh38, 1-based): chr12:132,675,415, G>A on the plus strand (C>T on the coding strand, the complement: POLE is on the minus strand). VCF-style: chr12-132675415-G-A. GRCh37 (hg19) VCF-style: chr12-133252001-G-A.
Identifiers: ClinVar variation 3904121 (VCV003904121.1).

ClinVar aggregate classification (germline): Benign (1 of 4 stars; one submission).

Conditions:
Colorectal cancer, susceptibility to, 12 (CRCS12). Also called: COLORECTAL CANCER, SUSCEPTIBILITY TO, ON CHROMOSOME 12q24. Identifiers: Orphanet 220460, MedGen C3554460, MONDO:0014038, OMIM 615083.

Submission:

Myriad Genetics, Inc.
Classification: Benign for Colorectal cancer, susceptibility to, 12. Last evaluated: 2025-02-10. Review status: criteria provided, single submitter. Criteria: Myriad Autosomal Dominant, Autosomal Recessive and X-Linked Classification Criteria (2023). Collection method: clinical testing. Allele origin: unknown.
Comment: This variant is considered benign. This variant is a silent/synonymous amino acid change and it is not expected to impact splicing.